The following is an entry in ClinVar:

NM_000435.3(NOTCH3):c.6260C>G (p.Ala2087Gly)

Gene: NOTCH3 (notch receptor 3; minus strand). Cytogenetic location: 19p13.12.
Variant type: single nucleotide variant.
Coding change: c.6260C>G on transcript NM_000435.3 (MANE Select); coding-DNA position 6260, C replaced by G.
Protein change: p.Ala2087Gly; replaces alanine 2087 with glycine.
Molecular consequence: missense variant.
Genome position (GRCh38, 1-based): chr19:15,161,368, G>C on the plus strand (C>G on the coding strand, the complement: NOTCH3 is on the minus strand). VCF-style: chr19-15161368-G-C. GRCh37 (hg19) VCF-style: chr19-15272179-G-C.
Other names: short protein forms A2087G.
Identifiers: ClinVar variation 1347494 (VCV001347494.6), dbSNP rs2145382342, ClinGen allele CA404489394.

ClinVar aggregate classification (germline): Uncertain significance (1 of 4 stars; one submission).

Submission:

Labcorp Genetics (formerly Invitae), Labcorp
Classification: Uncertain significance. Last evaluated: 2021-12-02. Review status: criteria provided, single submitter. Criteria: Invitae Variant Classification Sherloc (09022015). Collection method: clinical testing. Allele origin: germline.
Comment: This variant has not been reported in the literature in individuals affected with NOTCH3-related conditions. This variant is not present in population databases (gnomAD no frequency). This sequence change replaces alanine, which is neutral and non-polar, with glycine, which is neutral and non-polar, at codon 2087 of the NOTCH3 protein (p.Ala2087Gly). Advanced modeling of protein sequence and biophysical properties (such as structural, functional, and spatial information, amino acid conservation, physicochemical variation, residue mobility, and thermodynamic stability) performed at Invitae indicates that this missense variant is not expected to disrupt NOTCH3 protein function. In summary, the available evidence is currently insufficient to determine the role of this variant in disease. Therefore, it has been classified as a Variant of Uncertain Significance.